The following is an entry in ClinVar:

NM_012203.2(GRHPR):c.187G>A (p.Val63Met)

Gene: GRHPR (glyoxylate and hydroxypyruvate reductase; plus strand). Cytogenetic location: 9p13.2.
Variant type: single nucleotide variant.
Coding change: c.187G>A on transcript NM_012203.2 (MANE Select); coding-DNA position 187, G replaced by A.
Protein change: p.Val63Met; replaces valine 63 with methionine.
Molecular consequence: missense variant.
Genome position (GRCh38, 1-based): chr9:37,424,948, G>A. VCF-style: chr9-37424948-G-A. GRCh37 (hg19) VCF-style: chr9-37424945-G-A.
Other names: short protein forms V63M.
Identifiers: ClinVar variation 2145453 (VCV002145453.4), dbSNP rs772410247, ClinGen allele CA5058951.

ClinVar aggregate classification (germline): Uncertain significance (1 of 4 stars; one submission).

Allele frequency attached by ClinVar (database versions not stated): ExAC 0.00001; gnomAD exomes 0.00001.

Submission:

Labcorp Genetics (formerly Invitae), Labcorp
Classification: Uncertain significance. Last evaluated: 2022-04-01. Review status: criteria provided, single submitter. Criteria: Invitae Variant Classification Sherloc (09022015). Collection method: clinical testing. Allele origin: germline.
Comment: This sequence change replaces valine, which is neutral and non-polar, with methionine, which is neutral and non-polar, at codon 63 of the GRHPR protein (p.Val63Met). This variant is present in population databases (rs772410247, gnomAD 0.0009%). In summary, the available evidence is currently insufficient to determine the role of this variant in disease. Therefore, it has been classified as a Variant of Uncertain Significance. Advanced modeling of protein sequence and biophysical properties (such as structural, functional, and spatial information, amino acid conservation, physicochemical variation, residue mobility, and thermodynamic stability) performed at Invitae indicates that this missense variant is not expected to disrupt GRHPR protein function. This variant has not been reported in the literature in individuals affected with GRHPR-related conditions.